The following is an entry in ClinVar:

ClinVar aggregate classification (germline): Uncertain significance. Review status: criteria provided, multiple submitters, no conflicts (2 of 4 stars). 2 submissions from 2 submitters: Uncertain significance (2). Last evaluated 2024-06-10.

Conditions:
Developmental and epileptic encephalopathy, 46 (DEE46). Also called: Epileptic encephalopathy, early infantile, 46; GRIN2D-Related Developmental and Epileptic Encephalopathy. Identifiers: MedGen C4310687, MONDO:0014947, OMIM 617162.

Allele frequency attached by ClinVar (database versions not stated): TOPMed 0.00002.
gnomAD v4.1: 5 of 1,118,926 alleles (0.00045%); highest among the groups gnomAD compares: South Asian, 0.013%; no homozygotes.

Submissions (2):

Labcorp Genetics (formerly Invitae), Labcorp
Classification: Uncertain significance. Last evaluated: 2024-06-10. Review status: criteria provided, single submitter. Criteria: Invitae Variant Classification Sherloc (09022015). Collection method: clinical testing. Allele origin: germline.
Comment: This sequence change replaces arginine, which is basic and polar, with serine, which is neutral and polar, at codon 2 of the GRIN2D protein (p.Arg2Ser). The frequency data for this variant in the population databases is considered unreliable, as metrics indicate insufficient coverage at this position in the gnomAD database. This variant has not been reported in the literature in individuals affected with GRIN2D-related conditions. ClinVar contains an entry for this variant (Variation ID: 2584945). Advanced modeling of protein sequence and biophysical properties (such as structural, functional, and spatial information, amino acid conservation, physicochemical variation, residue mobility, and thermodynamic stability) performed at Invitae indicates that this missense variant is not expected to disrupt GRIN2D protein function with a negative predictive value of 95%. In summary, the available evidence is currently insufficient to determine the role of this variant in disease. Therefore, it has been classified as a Variant of Uncertain Significance.

Neuberg Centre For Genomic Medicine, NCGM
Classification: Uncertain significance for Developmental and epileptic encephalopathy, 46. Review status: criteria provided, single submitter. Criteria: ACMG Guidelines, 2015. Collection method: clinical testing. Allele origin: germline. Inheritance: Autosomal dominant inheritance. Affected: yes.
Comment: The missense variant c.4C>A (p.Arg2Ser) in GRIN2D gene has not been reported previously as a pathogenic variant nor as a benign variant, to our knowledge. The variant is novel (not in any individuals) in gnomAD Exomes and 1000 Genomes. The amino acid Arginine at position 2 is changed to a Serine changing protein sequence and it might alter its composition and physico-chemical properties. The variant is predicted as conserved by GERP++ and PhyloP across 100 vertebrates. For these reasons, this variant has been classified as Uncertain Significance.

NM_000836.4(GRIN2D):c.4C>A (p.Arg2Ser)

Gene: GRIN2D (glutamate ionotropic receptor NMDA type subunit 2D; plus strand). Cytogenetic location: 19q13.33.
Variant type: single nucleotide variant.
Coding change: c.4C>A on transcript NM_000836.4 (MANE Select); coding-DNA position 4, C replaced by A.
Protein change: p.Arg2Ser; replaces arginine 2 with serine.
Molecular consequence: missense variant.
Genome position (GRCh38, 1-based): chr19:48,398,396, C>A. VCF-style: chr19-48398396-C-A. GRCh37 (hg19) VCF-style: chr19-48901653-C-A.
Other names: short protein forms R2S.
Identifiers: ClinVar variation 2584945 (VCV002584945.4), dbSNP rs982702259, ClinGen allele CA309325405.